The following is an entry in ClinVar:

NM_000059.4(BRCA2):c.7551T>C (p.Thr2517=)

Gene: BRCA2 (BRCA2 DNA repair associated; plus strand). Cytogenetic location: 13q13.1.
Variant type: single nucleotide variant.
Coding change: c.7551T>C on transcript NM_000059.4 (MANE Select); coding-DNA position 7551, T replaced by C.
Protein change: p.Thr2517=; no amino-acid change (threonine 2517 retained).
Molecular consequence: synonymous variant.
Genome position (GRCh38, 1-based): chr13:32,356,543, T>C. VCF-style: chr13-32356543-T-C. GRCh37 (hg19) VCF-style: chr13-32930680-T-C.
Identifiers: ClinVar variation 491325 (VCV000491325.14), dbSNP rs1555286278, ClinGen allele CA483260411.
Genomic context (GRCh38, chr13:32,356,543, plus strand): 5'-GAAACAAAGGCAACGCGTCTTTCCACAGCCAGGCAGTCTGTATCTTGCAAAAACATCCAC[T>C]CTGCCTCGAATCTCTCTGAAAGCAGCAGTAGGAGGCCAAGTTCCCTCTGCGTGTTCTCAT-3'
Protein context (NP_000050.3, residues 2507-2527): PGSLYLAKTS[Thr2517=]LPRISLKAAV

ClinVar aggregate classification (germline): Likely benign. Review status: criteria provided, multiple submitters, no conflicts (2 of 4 stars). 4 submissions from 4 submitters: Likely benign (4). Last evaluated 2025-06-23.

Conditions:
Hereditary cancer-predisposing syndrome. Also called: Tumor predisposition; Neoplastic Syndromes, Hereditary; Hereditary Cancer Syndrome; Hereditary neoplastic syndrome. Identifiers: Orphanet 140162, MedGen C0027672, MeSH D009386, MONDO:0015356.
Hereditary breast ovarian cancer syndrome. Also called: Hereditary breast and ovarian cancer; Hereditary breast and ovarian cancer syndrome (HBOC); BRCA1- and BRCA2-Associated Hereditary Breast and Ovarian Cancer; Breast and ovarian cancer; Hereditary breast and ovarian cancer syndrome; Hereditary breast and/or ovarian cancer syndrome. Identifiers: Orphanet 145, MedGen C0677776, MeSH D061325, MONDO:0003582. Disease mechanism: loss of function.
Breast-ovarian cancer, familial, susceptibility to, 2 (BROVCA2). Also called: BRCA2 Hereditary Breast and Ovarian Cancer. Identifiers: Orphanet 145, MedGen C2675520, MONDO:0012933, OMIM 612555. Disease mechanism: loss of function.

Submissions (4):

Ambry Genetics
Classification: Likely benign for Hereditary cancer-predisposing syndrome. Last evaluated: 2025-06-23. Review status: criteria provided, single submitter. Criteria: Ambry Variant Classification Scheme 2023. Collection method: clinical testing. Allele origin: germline.

All of Us Research Program, National Institutes of Health
Classification: Likely benign for Breast-ovarian cancer, familial, susceptibility to, 2. Last evaluated: 2023-01-10. Review status: criteria provided, single submitter. Criteria: ACMG Guidelines, 2015. Collection method: clinical testing. Allele origin: germline. Inheritance: Autosomal dominant inheritance. Observed: 1 variant allele, 1 heterozygote.
Comment: This study involves interpretation of variants in research participants for the purpose of population health screening. Participant phenotype was not available at the time of variant classification. Additional details can be found in publication PMID: 35346344, PMCID: PMC8962531

Labcorp Genetics (formerly Invitae), Labcorp
Classification: Likely benign for Hereditary breast ovarian cancer syndrome. Last evaluated: 2021-06-14. Review status: criteria provided, single submitter. Criteria: Invitae Variant Classification Sherloc (09022015). Collection method: clinical testing. Allele origin: germline.

Color Diagnostics, LLC DBA Color Health
Classification: Likely benign for Hereditary cancer-predisposing syndrome. Last evaluated: 2017-03-07. Review status: criteria provided, single submitter. Criteria: ACMG Guidelines, 2015. Collection method: clinical testing. Allele origin: germline.